The following is an entry in ClinVar:

ClinVar aggregate classification (germline): Uncertain significance. Review status: criteria provided, multiple submitters, no conflicts (2 of 4 stars). 2 submissions from 2 submitters: Uncertain significance (2). Last evaluated 2025-01-23.

Conditions:
Glycogen storage disease IXb (GSD9B). Also called: PHOSPHORYLASE KINASE DEFICIENCY OF LIVER AND MUSCLE, AUTOSOMAL RECESSIVE; GLYCOGENOSIS OF LIVER AND MUSCLE, AUTOSOMAL RECESSIVE; GSD IXb. Identifiers: Orphanet 79240, MedGen C0543514, MONDO:0009868, OMIM 261750.
Inborn genetic diseases. Identifiers: MedGen C0950123, MeSH D030342.

Allele frequency attached by ClinVar (database versions not stated): gnomAD exomes below 0.00001 and 0.00001; ExAC 0.00002.
gnomAD v4.1: 8 of 1,614,168 alleles (0.0005%); highest among the groups gnomAD compares: Non-Finnish European, 0.00068%; no homozygotes.

Submissions (2):

Ambry Genetics
Classification: Uncertain significance for Inborn genetic diseases. Last evaluated: 2025-01-23. Review status: criteria provided, single submitter. Criteria: Ambry Variant Classification Scheme 2023. Collection method: clinical testing. Allele origin: germline.

Labcorp Genetics (formerly Invitae), Labcorp
Classification: Uncertain significance for Glycogen storage disease IXb. Last evaluated: 2021-08-24. Review status: criteria provided, single submitter. Criteria: Invitae Variant Classification Sherloc (09022015). Collection method: clinical testing. Allele origin: germline.
Comment: This sequence change replaces aspartic acid with asparagine at codon 1087 of the PHKB protein (p.Asp1087Asn). The aspartic acid residue is moderately conserved and there is a small physicochemical difference between aspartic acid and asparagine. This variant is present in population databases (rs764639480, ExAC 0.003%). This variant has not been reported in the literature in individuals affected with PHKB-related conditions. Algorithms developed to predict the effect of missense changes on protein structure and function are either unavailable or do not agree on the potential impact of this missense change (SIFT: "Deleterious"; PolyPhen-2: "Benign"; Align-GVGD: "Class C0"). In summary, the available evidence is currently insufficient to determine the role of this variant in disease. Therefore, it has been classified as a Variant of Uncertain Significance.

NM_000293.3(PHKB):c.3259G>A (p.Asp1087Asn)

Gene: PHKB (phosphorylase kinase regulatory subunit beta; plus strand). Cytogenetic location: 16q12.1.
Variant type: single nucleotide variant.
Coding change: c.3259G>A on transcript NM_000293.3 (MANE Select); coding-DNA position 3259, G replaced by A.
Protein change: p.Asp1087Asn; replaces aspartic acid 1087 with asparagine.
Molecular consequence: missense variant.
Genome position (GRCh38, 1-based): chr16:47,699,343, G>A. VCF-style: chr16-47699343-G-A. GRCh37 (hg19) VCF-style: chr16-47733254-G-A.
Other names: c.3238G>A, p.Asp1080Asn (NM_001031835.3); c.3259G>A, p.Asp1087Asn (NM_001363837.1); short protein forms D1087N, D1080N.
Identifiers: ClinVar variation 947797 (VCV000947797.8), dbSNP rs764639480, ClinGen allele CA8041494.